The following is an entry in ClinVar:

NM_000090.4(COL3A1):c.349C>A (p.Pro117Thr)

Gene: COL3A1 (collagen type III alpha 1 chain; plus strand). Cytogenetic location: 2q32.2.
Variant type: single nucleotide variant.
Coding change: c.349C>A on transcript NM_000090.4 (MANE Select); coding-DNA position 349, C replaced by A.
Protein change: p.Pro117Thr; replaces proline 117 with threonine.
Molecular consequence: missense variant.
Genome position (GRCh38, 1-based): chr2:188,985,680, C>A. VCF-style: chr2-188985680-C-A. GRCh37 (hg19) VCF-style: chr2-189850406-C-A.
Other names: short protein forms P117T.
Identifiers: ClinVar variation 651172 (VCV000651172.12), dbSNP rs1559052973, ClinGen allele CA349847737.

ClinVar aggregate classification (germline): Uncertain significance. Review status: criteria provided, multiple submitters, no conflicts (2 of 4 stars). 3 submissions from 3 submitters: Uncertain significance (3). Last evaluated 2026-07-06.

Conditions:
Familial thoracic aortic aneurysm and aortic dissection (TAAD). Also called: Thoracic aortic aneurysms and dissections. Identifiers: Orphanet 91387, MedGen C4707243, MONDO:0019625.
Ehlers-Danlos syndrome, type 4 (EDSVASC). Also called: Ehlers-Danlos syndrome vascular type; Ehlers Danlos syndrome, ecchymotic type; Ehlers Danlos syndrome, arterial type; Ehlers Danlos syndrome, Sack-Barabas type; Ehlers-Danlos Syndrome Type IV. Identifiers: Orphanet 286, MedGen C0268338, MONDO:0017314, OMIM 130050.

Submissions (3):

Ambry Genetics
Classification: Uncertain significance for Familial thoracic aortic aneurysm and aortic dissection. Last evaluated: 2026-07-06. Review status: criteria provided, single submitter. Criteria: Ambry Variant Classification Scheme 2023. Collection method: clinical testing. Allele origin: germline.
Comment: The p.P117T variant (also known as c.349C>A), located in coding exon 4 of the COL3A1 gene, results from a C to A substitution at nucleotide position 349. The proline at codon 117 is replaced by threonine, an amino acid with highly similar properties. This amino acid position is conserved. In addition, the in silico prediction for this alteration is inconclusive. Based on the available evidence, the clinical significance of this variant remains unclear.

GeneDx
Classification: Uncertain significance. Last evaluated: 2024-05-20. Review status: criteria provided, single submitter. Criteria: GeneDx Variant Classification Process June 2021. Collection method: clinical testing. Allele origin: germline. Affected: yes.
Comment: Has not been previously published as pathogenic or benign to our knowledge; Not observed at significant frequency in large population cohorts (gnomAD); In silico analysis supports that this missense variant has a deleterious effect on protein structure/function; Not located in the triple helical region, where the majority of pathogenic missense variants occur (HGMD)

Labcorp Genetics (formerly Invitae), Labcorp
Classification: Uncertain significance for Ehlers-Danlos syndrome, type 4. Last evaluated: 2024-02-17. Review status: criteria provided, single submitter. Criteria: Invitae Variant Classification Sherloc (09022015). Collection method: clinical testing. Allele origin: germline.
Comment: This sequence change replaces proline, which is neutral and non-polar, with threonine, which is neutral and polar, at codon 117 of the COL3A1 protein (p.Pro117Thr). This variant is not present in population databases (gnomAD no frequency). This variant has not been reported in the literature in individuals affected with COL3A1-related conditions. ClinVar contains an entry for this variant (Variation ID: 651172). Advanced modeling of protein sequence and biophysical properties (such as structural, functional, and spatial information, amino acid conservation, physicochemical variation, residue mobility, and thermodynamic stability) has been performed at Invitae for this missense variant, however the output from this modeling did not meet the statistical confidence thresholds required to predict the impact of this variant on COL3A1 protein function. In summary, the available evidence is currently insufficient to determine the role of this variant in disease. Therefore, it has been classified as a Variant of Uncertain Significance.